The following is an entry in ClinVar:

ClinVar aggregate classification (germline): Benign (1 of 4 stars; one submission).

Allele frequency attached by ClinVar (database versions not stated): 1000 Genomes Project 30x 0.05637; 1000 Genomes Project 0.05771; TOPMed 0.09505; ESP Exome Variant Server 0.10228; ExAC 0.13004.
gnomAD v4.1: 196,324 of 1,571,166 alleles (12%); highest among the groups gnomAD compares: Middle Eastern, 22%; 13,552 homozygotes.

Submission:

Unidad de Genómica Garrahan, Hospital de Pediatría Garrahan
Classification: Benign. Last evaluated: 2024-01-24. Review status: criteria provided, single submitter. Criteria: ACMG Guidelines, 2015. Collection method: clinical testing. Allele origin: germline. Affected: no. Observed: 22 variant alleles.
Comment: This variant is classified as Benign based on local population frequency. This variant was detected in 23% of patients studied by a panel of primary immunodeficiencies. Number of patients: 22. Only high quality variants are reported.

NM_014314.4(RIGI):c.2186-23C>A

Gene: RIGI (RNA sensor RIG-I; minus strand). Cytogenetic location: 9p21.1.
Variant type: single nucleotide variant.
Coding change: c.2186-23C>A on transcript NM_014314.4 (MANE Select); 23 bases into the intron before coding-DNA position 2186, C replaced by A.
Molecular consequence: intron variant.
Genome position (GRCh38, 1-based): chr9:32,466,464, G>T on the plus strand (C>A on the coding strand, the complement: RIGI is on the minus strand). VCF-style: chr9-32466464-G-T. GRCh37 (hg19) VCF-style: chr9-32466462-G-T.
Other names: c.1577-23C>A (NM_001385912.1); c.2171-23C>A (NM_001385913.1); c.2180-23C>A (NM_001385907.1); c.2015-23C>A (NM_001385909.1); c.1742-23C>A (NM_001385914.1); c.1745-23C>A (NM_001385910.1).
Identifiers: ClinVar variation 2688315 (VCV002688315.2), dbSNP rs45460592, ClinGen allele CA5019567.